The following is an entry in ClinVar:

NM_002381.5(MATN3):c.477C>G (p.Gly159=)

Gene: MATN3 (matrilin 3; minus strand). Cytogenetic location: 2p24.1.
Variant type: single nucleotide variant.
Coding change: c.477C>G on transcript NM_002381.5 (MANE Select); coding-DNA position 477, C replaced by G.
Protein change: p.Gly159=; no amino-acid change (glycine 159 retained).
Molecular consequence: synonymous variant.
Genome position (GRCh38, 1-based): chr2:20,006,057, G>C on the plus strand (C>G on the coding strand, the complement: MATN3 is on the minus strand). VCF-style: chr2-20006057-G-C. GRCh37 (hg19) VCF-style: chr2-20205818-G-C.
Identifiers: ClinVar variation 896818 (VCV000896818.4), dbSNP rs1673099589, ClinGen allele CA425339832.

ClinVar aggregate classification (germline): Uncertain significance (1 of 4 stars; one submission).

Conditions:
Multiple epiphyseal dysplasia type 5 (EDM5). Also called: MATN3-Related Multiple Epiphyseal Dysplasia; Microepiphyseal dysplasia, bilateral hereditary. Identifiers: Orphanet 93311, MedGen C1846843, MONDO:0011765, OMIM 607078.

Allele frequency attached by ClinVar (database versions not stated): gnomAD exomes 0.00002.
gnomAD v4.1: 12 of 1,614,042 alleles (0.00074%); highest among the groups gnomAD compares: East Asian, 0.027%; no homozygotes.

Submission:

Illumina Laboratory Services, Illumina
Classification: Uncertain significance for Multiple epiphyseal dysplasia type 5. Last evaluated: 2017-06-11. Review status: criteria provided, single submitter. Criteria: ICSL Variant Classification Criteria 13 December 2019. Collection method: clinical testing. Allele origin: germline.
Comment: This variant was observed as part of a predisposition screen in an ostensibly healthy population. A literature search was performed for the gene, cDNA change, and amino acid change (where applicable). Publications were found based on this search. However, the evidence from the literature, in combination with allele frequency data from public databases where available, was not sufficient to rule this variant in or out of causing disease. Therefore, this variant is classified as a variant of unknown significance.

Literature cited by the submitters: PubMed 21965141.